The following is an entry in ClinVar:

ClinVar aggregate classification (germline): Uncertain significance. Review status: criteria provided, multiple submitters, no conflicts (2 of 4 stars). 2 submissions from 2 submitters: Uncertain significance (2). Last evaluated 2025-12-11.

Conditions:
Hereditary breast ovarian cancer syndrome. Also called: Hereditary breast and ovarian cancer syndrome (HBOC); Breast and ovarian cancer; BRCA1- and BRCA2-Associated Hereditary Breast and Ovarian Cancer; Hereditary breast and ovarian cancer syndrome; Hereditary breast and ovarian cancer; Hereditary breast and/or ovarian cancer syndrome. Identifiers: Orphanet 145, MedGen C0677776, MeSH D061325, MONDO:0003582. Disease mechanism: loss of function.
Hereditary cancer-predisposing syndrome. Also called: Tumor predisposition; Neoplastic Syndromes, Hereditary; Hereditary Cancer Syndrome; Hereditary neoplastic syndrome. Identifiers: Orphanet 140162, MedGen C0027672, MeSH D009386, MONDO:0015356.

Submissions (2):

Ambry Genetics
Classification: Uncertain significance for Hereditary cancer-predisposing syndrome. Last evaluated: 2025-12-11. Review status: criteria provided, single submitter. Criteria: Ambry Variant Classification Scheme 2023. Collection method: clinical testing. Allele origin: germline.
Comment: The p.P1106L variant (also known as c.3317C>T), located in coding exon 9 of the BRCA1 gene, results from a C to T substitution at nucleotide position 3317. The proline at codon 1106 is replaced by leucine, an amino acid with similar properties. This amino acid position is not well conserved in available vertebrate species. In addition, this alteration is predicted to be tolerated by in silico analysis. Based on the available evidence, the clinical significance of this variant remains unclear.

Labcorp Genetics (formerly Invitae), Labcorp
Classification: Uncertain significance for Hereditary breast ovarian cancer syndrome. Last evaluated: 2025-09-19. Review status: criteria provided, single submitter. Criteria: Invitae Variant Classification Sherloc (09022015). Collection method: clinical testing. Allele origin: germline.
Comment: This sequence change replaces proline, which is neutral and non-polar, with leucine, which is neutral and non-polar, at codon 1106 of the BRCA1 protein (p.Pro1106Leu). This variant is not present in population databases (gnomAD no frequency). This variant has not been reported in the literature in individuals affected with BRCA1-related conditions. ClinVar contains an entry for this variant (Variation ID: 2839096). Invitae Evidence Modeling of protein sequence and biophysical properties (such as structural, functional, and spatial information, amino acid conservation, physicochemical variation, residue mobility, and thermodynamic stability) indicates that this missense variant is not expected to disrupt BRCA1 protein function with a negative predictive value of 80%. In summary, the available evidence is currently insufficient to determine the role of this variant in disease. Therefore, it has been classified as a Variant of Uncertain Significance.

NM_007294.4(BRCA1):c.3317C>T (p.Pro1106Leu)

Genes: BRCA1 (BRCA1 DNA repair associated; minus strand), LOC126862571 (BRD4-independent group 4 enhancer GRCh37_chr17:41243136-41244335; plus strand). Cytogenetic location: 17q21.31.
Variant type: single nucleotide variant.
Coding change: c.3317C>T on transcript NM_007294.4 (MANE Select); coding-DNA position 3317, C replaced by T.
Protein change: p.Pro1106Leu; replaces proline 1106 with leucine.
Molecular consequence: missense variant. On other transcripts: intron variant (137).
Genome position (GRCh38, 1-based): chr17:43,092,214, G>A on the plus strand (C>T on the coding strand, the complement: BRCA1 is on the minus strand). VCF-style: chr17-43092214-G-A. GRCh37 (hg19) VCF-style: chr17-41244231-G-A.
Other names: c.3194C>T, p.Pro1065Leu (NM_001407682.1, NM_001407683.1, NM_001407648.1 and 19 more transcripts); c.3191C>T, p.Pro1064Leu (NM_001407685.1, NM_001407689.1, NM_001407686.1 and 11 more transcripts); c.3317C>T, p.Pro1106Leu (NM_001407684.1, NM_007300.4, NM_001407581.1 and 30 more transcripts); c.2984C>T, p.Pro995Leu (NM_001407949.1, NM_001407950.1, NM_001407951.1 and 6 more transcripts); c.2981C>T, p.Pro994Leu (NM_001407954.1, NM_001407955.1, NM_001407956.1 and 1 more transcripts); c.2936C>T, p.Pro979Leu (NM_001407959.1, NM_001407960.1, NM_001407963.1); c.2933C>T, p.Pro978Leu (NM_001407962.1); c.3173C>T, p.Pro1058Leu (NM_001407964.1, NM_001407740.1, NM_001407741.1 and 20 more transcripts); and 41 more; short protein forms P1035L, P1039L, P1059L, P1079L, P1080L, P994L, P1017L, P1038L.
Identifiers: ClinVar variation 2839096 (VCV002839096.4), dbSNP rs2154329330, ClinGen allele CA10595349.